The following is an entry in ClinVar:

ClinVar aggregate classification (germline): Likely pathogenic (1 of 4 stars; one submission).

Conditions:
PMM2-congenital disorder of glycosylation. Also called: Congenital disorder of glycosylation, type Ia; PHOSPHOMANNOMUTASE 2 DEFICIENCY; CARBOHYDRATE-DEFICIENT GLYCOPROTEIN SYNDROME, TYPE Ia; CDG Ia; JAEKEN SYNDROME; PMM2-CDG. Identifiers: Orphanet 79318, MedGen C0349653, MONDO:0008907, OMIM 212065.

Submission:

Myriad Genetics, Inc.
Classification: Likely pathogenic for PMM2-congenital disorder of glycosylation. Last evaluated: 2025-12-29. Review status: criteria provided, single submitter. Criteria: Myriad Autosomal Dominant, Autosomal Recessive and X-Linked Classification Criteria (2023). Collection method: clinical testing. Allele origin: unknown.
Comment: NM_000303.2(PMM2):c.523+2T>A is a variant in a canonical splice site classified as likely pathogenic in the context of congenital disorder of glycosylation, PMM2-related. c.523+2T>A has not been observed in cases with relevant disease. Relevant functional assessments of this variant are not available in the literature. c.523+2T>A has not been observed in referenced population frequency databases. In summary, NM_000303.2(PMM2):c.523+2T>A is a variant in a canonical splice site in a gene where loss of function is a known mechanism of disease and is predicted to disrupt protein function. Please note: this variant was assessed in the context of healthy population screening.

NM_000303.3(PMM2):c.523+2T>A

Gene: PMM2 (phosphomannomutase 2; plus strand). Cytogenetic location: 16p13.2.
Variant type: single nucleotide variant.
Coding change: c.523+2T>A on transcript NM_000303.3 (MANE Select); the canonical splice donor site of the intron after coding-DNA position 523, T replaced by A.
Molecular consequence: splice donor variant.
Genome position (GRCh38, 1-based): chr16:8,811,715, T>A. VCF-style: chr16-8811715-T-A. GRCh37 (hg19) VCF-style: chr16-8905572-T-A.
Identifiers: ClinVar variation 5003421 (VCV005003421.1).